The following is an entry in ClinVar:

NM_005343.4(HRAS):c.245T>G (p.Phe82Cys)

Genes: HRAS (HRas proto-oncogene, GTPase; minus strand), LRRC56 (leucine rich repeat containing 56; plus strand). Cytogenetic location: 11p15.5.
Variant type: single nucleotide variant.
Coding change: c.245T>G on transcript NM_005343.4 (MANE Select); coding-DNA position 245, T replaced by G.
Protein change: p.Phe82Cys; replaces phenylalanine 82 with cysteine.
Molecular consequence: missense variant. On other transcripts: 5 prime UTR variant (1).
Genome position (GRCh38, 1-based): chr11:533,811, A>C on the plus strand (T>G on the coding strand, the complement: HRAS is on the minus strand). VCF-style: chr11-533811-A-C. GRCh37 (hg19) VCF-style: chr11-533811-A-C.
Other names: c.245T>G, p.Phe82Cys (NM_001130442.3, NM_176795.5); c.-75T>G (NM_001318054.2); short protein forms F82C.
Identifiers: ClinVar variation 937347 (VCV000937347.10), dbSNP rs1851274209, ClinGen allele CA378924502.

ClinVar aggregate classification (germline): Uncertain significance (1 of 4 stars; one submission).

Conditions:
Costello syndrome (CSTLO). Also called: FACIOCUTANEOSKELETAL SYNDROME; HRAS-Related Costello Syndrome; FCS SYNDROME. Identifiers: Orphanet 3071, MedGen C0587248, MONDO:0009026, OMIM 218040.

Submission:

Labcorp Genetics (formerly Invitae), Labcorp
Classification: Uncertain significance for Costello syndrome. Last evaluated: 2020-10-28. Review status: criteria provided, single submitter. Criteria: Invitae Variant Classification Sherloc (09022015). Collection method: clinical testing. Allele origin: germline.
Comment: This variant has not been reported in the literature in individuals with HRAS-related conditions. Algorithms developed to predict the effect of missense changes on protein structure and function (SIFT, PolyPhen-2, Align-GVGD) all suggest that this variant is likely to be disruptive, but these predictions have not been confirmed by published functional studies and their clinical significance is uncertain. In summary, the available evidence is currently insufficient to determine the role of this variant in disease. Therefore, it has been classified as a Variant of Uncertain Significance. This sequence change replaces phenylalanine with cysteine at codon 82 of the HRAS protein (p.Phe82Cys). The phenylalanine residue is highly conserved and there is a large physicochemical difference between phenylalanine and cysteine. This variant is not present in population databases (ExAC no frequency).